The following is an entry in ClinVar:

ClinVar aggregate classification (germline): Pathogenic. Review status: criteria provided, multiple submitters, no conflicts (2 of 4 stars). 2 submissions from 2 submitters: Pathogenic (2). Last evaluated 2024-07-08.

Conditions:
Hypercholesterolemia, autosomal dominant, type B (FHCL2). Also called: APOB-Related Familial Hypercholesterolemia, Autosomal Dominant; Familial Hypercholesterolemia Type B; APOLIPOPROTEIN B-100, FAMILIAL DEFECTIVE; APOLIPOPROTEIN B-100, FAMILIAL LIGAND-DEFECTIVE; HYPERCHOLESTEROLEMIA, FAMILIAL, DUE TO LIGAND-DEFECTIVE APOLIPOPROTEIN B; Hyperlipoproteinemia Type IIb. Identifiers: MedGen C1704417, MONDO:0007751, OMIM 144010.
Familial hypobetalipoproteinemia 1. Also called: Hypobetalipoproteinemia, normotriglyceridemic; Acanthocytosis with hypobetalipoproteinemia; APOB-Related Familial Hypobetalipoproteinemia. Identifiers: MedGen C4551990, MONDO:0014252, OMIM 615558.

Submissions (2):

Institute of Human Genetics, University of Leipzig Medical Center
Classification: Pathogenic for Hypercholesterolemia, autosomal dominant, type B. Last evaluated: 2024-07-08. Review status: criteria provided, single submitter. Criteria: ACMG Guidelines, 2015. Collection method: clinical testing. Allele origin: unknown. Inheritance: Autosomal dominant inheritance. Affected: yes.
Comment: Criteria applied: PVS1,PM2,PS4_MOD

Labcorp Genetics (formerly Invitae), Labcorp
Classification: Pathogenic for Familial hypobetalipoproteinemia 1; Hypercholesterolemia, autosomal dominant, type B. Last evaluated: 2023-07-07. Review status: criteria provided, single submitter. Criteria: Invitae Variant Classification Sherloc (09022015). Collection method: clinical testing. Allele origin: germline.
Comment: This sequence change creates a premature translational stop signal (p.Phe705Leufs*30) in the APOB gene. It is expected to result in an absent or disrupted protein product. Loss-of-function variants in APOB are known to be pathogenic (PMID: 20032471). This variant is not present in population databases (gnomAD no frequency). This premature translational stop signal has been observed in individual(s) with familial hypobetalipoproteinemia (PMID: 24842304). For these reasons, this variant has been classified as Pathogenic.

Literature cited by the submitters: PubMed 20032471 (cited by Labcorp Genetics (formerly Invitae), Labcorp); PubMed 24842304 (cited by Labcorp Genetics (formerly Invitae), Labcorp).

NM_000384.3(APOB):c.2115del (p.Phe705fs)

Gene: APOB (apolipoprotein B; minus strand). Cytogenetic location: 2p24.1.
Variant type: Deletion.
Coding change: c.2115del on transcript NM_000384.3 (MANE Select); coding-DNA position 2115, one base deleted (T; older notation c.2115delT).
Protein change: p.Phe705fs; shifts the reading frame from phenylalanine 705.
Molecular consequence: frameshift variant.
Genome position (GRCh38, 1-based): chr2:21,026,917, A deleted on the plus strand (T on the coding strand, the reverse complement: APOB is on the minus strand); the first of 5 consecutive A bases (chr2:21,026,917-21,026,921); deleting any one gives the same sequence. VCF-style (leftmost placement, unchanged base first): chr2-21026916-CA-C. GRCh37 (hg19) VCF-style: chr2-21249788-CA-C.
Other names: short protein forms F705fs.
Identifiers: ClinVar variation 2925318 (VCV002925318.5), dbSNP rs1473455368, ClinGen allele CA531313026.